The following is an entry in ClinVar:

NM_017780.4(CHD7):c.926A>G (p.Gln309Arg)

Gene: CHD7 (chromodomain helicase DNA binding protein 7; plus strand). Cytogenetic location: 8q12.2.
Variant type: single nucleotide variant.
Coding change: c.926A>G on transcript NM_017780.4 (MANE Select); coding-DNA position 926, A replaced by G.
Protein change: p.Gln309Arg; replaces glutamine 309 with arginine.
Molecular consequence: missense variant.
Genome position (GRCh38, 1-based): chr8:60,742,358, A>G. VCF-style: chr8-60742358-A-G. GRCh37 (hg19) VCF-style: chr8-61654917-A-G.
Other names: c.926A>G, p.Gln309Arg (NM_001316690.1); short protein forms Q309R.
Identifiers: ClinVar variation 1970517 (VCV001970517.5), dbSNP rs1809083390, ClinGen allele CA371300123.

ClinVar aggregate classification (germline): Uncertain significance (1 of 4 stars; one submission).

Conditions:
CHARGE syndrome (CHARGE). Also called: Hittner Hirsch Kreh syndrome; CHARGE ASSOCIATION--COLOBOMA, HEART ANOMALY, CHOANAL ATRESIA, RETARDATION, GENITAL AND EAR ANOMALIES; Coloboma, heart anomaly, choanal atresia, retardation, genital and ear anomalies; CHARGE association; Hall-Hittner syndrome. Identifiers: Orphanet 138, MedGen C0265354, MONDO:0008965.

Submission:

Labcorp Genetics (formerly Invitae), Labcorp
Classification: Uncertain significance for CHARGE syndrome. Last evaluated: 2024-09-20. Review status: criteria provided, single submitter. Criteria: Invitae Variant Classification Sherloc (09022015). Collection method: clinical testing. Allele origin: germline.
Comment: This sequence change replaces glutamine, which is neutral and polar, with arginine, which is basic and polar, at codon 309 of the CHD7 protein (p.Gln309Arg). This variant is not present in population databases (gnomAD no frequency). This variant has not been reported in the literature in individuals affected with CHD7-related conditions. ClinVar contains an entry for this variant (Variation ID: 1970517). Invitae Evidence Modeling of protein sequence and biophysical properties (such as structural, functional, and spatial information, amino acid conservation, physicochemical variation, residue mobility, and thermodynamic stability) indicates that this missense variant is not expected to disrupt CHD7 protein function with a negative predictive value of 95%. In summary, the available evidence is currently insufficient to determine the role of this variant in disease. Therefore, it has been classified as a Variant of Uncertain Significance.